The following is an entry in ClinVar:

ClinVar aggregate classification (germline): Likely benign. Review status: criteria provided, multiple submitters, no conflicts (2 of 4 stars). 4 submissions from 4 submitters: Likely benign (4). Last evaluated 2024-05-14.

Conditions:
Familial adenomatous polyposis 1 (FAP1). Also called: FAMILIAL ADENOMATOUS POLYPOSIS 1, ATTENUATED; POLYPOSIS, ADENOMATOUS INTESTINAL. Identifiers: MedGen C2713442, MONDO:0021056, OMIM 175100. Disease mechanism: loss of function.
Classic or attenuated familial adenomatous polyposis. Identifiers: MedGen CN372698, MONDO:0021057.

Allele frequency attached by ClinVar (database versions not stated): gnomAD exomes below 0.00001.
gnomAD v4.1: 1 of 1,612,586 alleles (0.000062%); highest among the groups gnomAD compares: Non-Finnish European, 0.000085%; no homozygotes.

Submissions (4):

All of Us Research Program, National Institutes of Health
Classification: Likely benign for Classic or attenuated familial adenomatous polyposis. Last evaluated: 2024-05-14. Review status: criteria provided, single submitter. Criteria: ACMG Guidelines, 2015. Collection method: clinical testing. Allele origin: germline. Inheritance: Autosomal dominant inheritance. Observed: 1 variant allele, 1 heterozygote.
Comment: This study involves interpretation of variants in research participants for the purpose of population health screening. Participant phenotype was not available at the time of variant classification. Additional details can be found in publication PMID: 35346344, PMCID: PMC8962531

Labcorp Genetics (formerly Invitae), Labcorp
Classification: Likely benign for Familial adenomatous polyposis 1. Last evaluated: 2024-04-18. Review status: criteria provided, single submitter. Criteria: Invitae Variant Classification Sherloc (09022015). Collection method: clinical testing. Allele origin: germline.

Myriad Genetics, Inc.
Classification: Likely benign for Familial adenomatous polyposis 1. Last evaluated: 2024-03-06. Review status: criteria provided, single submitter. Criteria: Myriad Autosomal Dominant, Autosomal Recessive and X-Linked Classification Criteria (2023). Collection method: clinical testing. Allele origin: unknown.
Comment: This variant is considered likely benign. This variant is intronic and is not expected to impact mRNA splicing.

GeneDx
Classification: Likely benign. Last evaluated: 2017-10-09. Review status: criteria provided, single submitter. Criteria: GeneDx Variant Classification (06012015). Collection method: clinical testing. Allele origin: germline. Affected: yes.
Comment: This variant is considered likely benign or benign based on one or more of the following criteria: it is a conservative change, it occurs at a poorly conserved position in the protein, it is predicted to be benign by multiple in silico algorithms, and/or has population frequency not consistent with disease.

NM_000038.6(APC):c.1744-10T>C

Gene: APC (APC regulator of Wnt signaling pathway; plus strand). Cytogenetic location: 5q22.2.
Variant type: single nucleotide variant.
Coding change: c.1744-10T>C on transcript NM_000038.6 (MANE Select); 10 bases into the intron before coding-DNA position 1744, T replaced by C.
Molecular consequence: intron variant.
Genome position (GRCh38, 1-based): chr5:112,834,941, T>C. VCF-style: chr5-112834941-T-C. GRCh37 (hg19) VCF-style: chr5-112170638-T-C.
Other names: c.1744-10T>C (NM_001354895.2, NM_001127510.3); c.1774-10T>C (NM_001354897.2); c.1471-10T>C (NM_001354902.2); c.1690-10T>C (NM_001127511.3); c.1669-10T>C (NM_001354898.2); c.1366-10T>C (NM_001354904.2); c.895-10T>C (NM_001354906.2); c.1798-10T>C (NM_001354896.2); and 5 more.
Identifiers: ClinVar variation 516255 (VCV000516255.6), dbSNP rs1554083088, ClinGen allele CA658796567.